The following is an entry in ClinVar:

ClinVar aggregate classification (germline): Likely benign (1 of 4 stars; one submission).

Allele frequency attached by ClinVar (database versions not stated): 1000 Genomes Project 0.00120; gnomAD 0.00021; TOPMed 0.00029; ExAC 0.00032; 1000 Genomes Project 30x 0.00109.
gnomAD v4.1: 337 of 1,614,062 alleles (0.021%); highest among the groups gnomAD compares: East Asian, 0.72%; 2 homozygotes.

Submission:

CeGaT Center for Human Genetics Tuebingen
Classification: Likely benign. Last evaluated: 2023-04-01. Review status: criteria provided, single submitter. Criteria: CeGaT Center For Human Genetics Tuebingen Variant Classification Criteria Version 2. Collection method: clinical testing. Allele origin: germline. Affected: yes. Observed: 1 variant allele.
Comment: PENK: BP4, BP7

NM_001135690.3(PENK):c.201G>A (p.Glu67=)

Gene: PENK (proenkephalin; minus strand). Cytogenetic location: 8q12.1.
Variant type: single nucleotide variant.
Coding change: c.201G>A on transcript NM_001135690.3 (MANE Select); coding-DNA position 201, G replaced by A.
Protein change: p.Glu67=; no amino-acid change (glutamic acid 67 retained).
Molecular consequence: synonymous variant.
Genome position (GRCh38, 1-based): chr8:56,441,875, C>T on the plus strand (G>A on the coding strand, the complement: PENK is on the minus strand). VCF-style: chr8-56441875-C-T. GRCh37 (hg19) VCF-style: chr8-57354434-C-T.
Identifiers: ClinVar variation 2658611 (VCV002658611.24), dbSNP rs76377741, ClinGen allele CA4755620.